The following is an entry in ClinVar:

NM_198586.3(NHLRC1):c.742del (p.Glu248fs)

Gene: NHLRC1 (NHL repeat containing E3 ubiquitin protein ligase 1; minus strand). Cytogenetic location: 6p22.3.
Variant type: Deletion.
Coding change: c.742del on transcript NM_198586.3 (MANE Select); coding-DNA position 742, one base deleted (G; older notation c.742delG).
Protein change: p.Glu248fs; shifts the reading frame from glutamic acid 248.
Molecular consequence: frameshift variant.
Genome position (GRCh38, 1-based): chr6:18,121,865, C deleted on the plus strand (G on the coding strand, the reverse complement: NHLRC1 is on the minus strand); the first of 2 consecutive C bases (chr6:18,121,865-18,121,866); deleting either gives the same sequence. VCF-style (leftmost placement, unchanged base first): chr6-18121864-TC-T. GRCh37 (hg19) VCF-style: chr6-18122095-TC-T.
Other names: short protein forms E248fs.
Identifiers: ClinVar variation 2829900 (VCV002829900.3), dbSNP rs2533896412, ClinGen allele CA2739272850.

ClinVar aggregate classification (germline): Pathogenic (1 of 4 stars; one submission).

Conditions:
Lafora disease. Also called: Epilepsy progressive myoclonic 2; Progressive Myoclonus Epilepsy, Lafora Type. Identifiers: Orphanet 501, MedGen C0751783, MONDO:0009697.

Submission:

Labcorp Genetics (formerly Invitae), Labcorp
Classification: Pathogenic for Lafora disease. Last evaluated: 2023-01-18. Review status: criteria provided, single submitter. Criteria: Invitae Variant Classification Sherloc (09022015). Collection method: clinical testing. Allele origin: germline.
Comment: For these reasons, this variant has been classified as Pathogenic. This variant disrupts a region of the NHLRC1 protein in which other variant(s) (p.Lys388Serfs*3) have been determined to be pathogenic (PMID: 20738377). This suggests that this is a clinically significant region of the protein, and that variants that disrupt it are likely to be disease-causing. This variant has not been reported in the literature in individuals affected with NHLRC1-related conditions. This variant is not present in population databases (gnomAD no frequency). This sequence change creates a premature translational stop signal (p.Glu248Lysfs*47) in the NHLRC1 gene. While this is not anticipated to result in nonsense mediated decay, it is expected to disrupt the last 148 amino acid(s) of the NHLRC1 protein.

Literature cited by the submitters: PubMed 20738377.